The following is an entry in ClinVar:

NM_001854.4(COL11A1):c.1833C>T (p.Asp611=)

Gene: COL11A1 (collagen type XI alpha 1 chain; minus strand). Cytogenetic location: 1p21.1.
Variant type: single nucleotide variant.
Coding change: c.1833C>T on transcript NM_001854.4 (MANE Select); coding-DNA position 1833, C replaced by T.
Protein change: p.Asp611=; no amino-acid change (aspartic acid 611 retained).
Molecular consequence: synonymous variant. On other transcripts: non-coding transcript variant (1).
Genome position (GRCh38, 1-based): chr1:103,005,850, G>A on the plus strand (C>T on the coding strand, the complement: COL11A1 is on the minus strand). VCF-style: chr1-103005850-G-A. GRCh37 (hg19) VCF-style: chr1-103471406-G-A.
Other names: c.1716C>T, p.Asp572= (NM_001190709.2); c.1869C>T, p.Asp623= (NM_080629.3); c.1485C>T, p.Asp495= (NM_080630.4); c.1833C>T (NM_001854.3).
Identifiers: ClinVar variation 1624889 (VCV001624889.11), dbSNP rs757133349, ClinGen allele CA974793.

ClinVar aggregate classification (germline): Likely benign. Review status: criteria provided, multiple submitters, no conflicts (2 of 4 stars). 3 submissions from 3 submitters: Likely benign (2). 1 of the submissions does not count toward it. Last evaluated 2025-11-19.

Conditions:
COL11A1-related disorder. Also called: COL11A1-related disorders; COL11A1-related condition.

Allele frequency attached by ClinVar (database versions not stated): TOPMed 0.00001; gnomAD exomes 0.00006; ExAC 0.00008.
gnomAD v4.1: 40 of 1,613,956 alleles (0.0025%); highest among the groups gnomAD compares: Non-Finnish European, 0.0031%; no homozygotes.

Submissions (3):

Labcorp Genetics (formerly Invitae), Labcorp
Classification: Likely benign. Last evaluated: 2025-11-19. Review status: criteria provided, single submitter. Criteria: Invitae Variant Classification Sherloc (09022015). Collection method: clinical testing. Allele origin: germline.

Blueprint Genetics
Classification: Likely benign. Last evaluated: 2024-10-08. Review status: criteria provided, single submitter. Criteria: ACMG Guidelines, 2015. Collection method: clinical testing. Allele origin: germline.

PreventionGenetics, part of Exact Sciences
Classification: Likely benign for COL11A1-related condition. Last evaluated: 2023-03-29. Review status: no assertion criteria provided. Collection method: clinical testing. Allele origin: germline. Not counted in ClinVar's aggregate classification.
Comment: This variant is classified as likely benign based on ACMG/AMP sequence variant interpretation guidelines (Richards et al. 2015 PMID: 25741868, with internal and published modifications).